The following is an entry in ClinVar:

ClinVar aggregate classification (germline): Uncertain significance (1 of 4 stars; one submission).

Conditions:
Epileptic encephalopathy. Identifiers: MedGen C0543888, HP:0200134.

Allele frequency attached by ClinVar (database versions not stated): ExAC 0.00002; 1000 Genomes Project 30x 0.00016; 1000 Genomes Project 0.00020.
gnomAD v4.1: 5 of 1,613,866 alleles (0.00031%); highest among the groups gnomAD compares: South Asian, 0.0011%; no homozygotes.

Submission:

Labcorp Genetics (formerly Invitae), Labcorp
Classification: Uncertain significance for Epileptic encephalopathy. Last evaluated: 2021-08-20. Review status: criteria provided, single submitter. Criteria: Invitae Variant Classification Sherloc (09022015). Collection method: clinical testing. Allele origin: germline.
Comment: This sequence change replaces arginine with tryptophan at codon 3982 of the RYR3 protein (p.Arg3982Trp). The arginine residue is highly conserved and there is a moderate physicochemical difference between arginine and tryptophan. This variant is present in population databases (rs557120958, ExAC 0.006%). This variant has not been reported in the literature in individuals affected with RYR3-related conditions. Algorithms developed to predict the effect of missense changes on protein structure and function are either unavailable or do not agree on the potential impact of this missense change (SIFT: "Deleterious"; PolyPhen-2: "Probably Damaging"; Align-GVGD: "Class C0"). In summary, the available evidence is currently insufficient to determine the role of this variant in disease. Therefore, it has been classified as a Variant of Uncertain Significance.

NM_001036.6(RYR3):c.11944C>T (p.Arg3982Trp)

Gene: RYR3 (ryanodine receptor 3; plus strand). Cytogenetic location: 15q14.
Variant type: single nucleotide variant.
Coding change: c.11944C>T on transcript NM_001036.6 (MANE Select); coding-DNA position 11944, C replaced by T.
Protein change: p.Arg3982Trp; replaces arginine 3982 with tryptophan.
Molecular consequence: missense variant.
Genome position (GRCh38, 1-based): chr15:33,837,924, C>T. VCF-style: chr15-33837924-C-T. GRCh37 (hg19) VCF-style: chr15-34130125-C-T.
Other names: c.11929C>T, p.Arg3977Trp (NM_001243996.4); short protein forms R3982W, R3977W.
Identifiers: ClinVar variation 940179 (VCV000940179.6), dbSNP rs557120958, ClinGen allele CA7461329.